The following is an entry in ClinVar:

NM_000368.5(TSC1):c.2654G>A (p.Arg885Gln)

Gene: TSC1 (TSC complex subunit 1; minus strand). Cytogenetic location: 9q34.13.
Variant type: single nucleotide variant.
Coding change: c.2654G>A on transcript NM_000368.5 (MANE Select); coding-DNA position 2654, G replaced by A.
Protein change: p.Arg885Gln; replaces arginine 885 with glutamine.
Molecular consequence: missense variant.
Genome position (GRCh38, 1-based): chr9:132,897,582, C>T on the plus strand (G>A on the coding strand, the complement: TSC1 is on the minus strand). VCF-style: chr9-132897582-C-T. GRCh37 (hg19) VCF-style: chr9-135772969-C-T.
Other names: c.2651G>A, p.Arg884Gln (NM_001162426.2); c.2501G>A, p.Arg834Gln (NM_001162427.2); c.2291G>A, p.Arg764Gln (NM_001362177.2); short protein forms R885Q, R764Q, R884Q, R834Q.
Identifiers: ClinVar variation 195563 (VCV000195563.26), dbSNP rs200514807, ClinGen allele CA006799.

ClinVar aggregate classification (germline): Conflicting classifications of pathogenicity. Review status: criteria provided, conflicting classifications (1 of 4 stars). 6 submissions from 6 submitters: Uncertain significance (4); Likely benign (2). Last evaluated 2025-12-22.

Conditions:
Hereditary cancer-predisposing syndrome. Also called: Hereditary Cancer Syndrome; Tumor predisposition; Hereditary neoplastic syndrome; Neoplastic Syndromes, Hereditary. Identifiers: Orphanet 140162, MedGen C0027672, MeSH D009386, MONDO:0015356.
Tuberous sclerosis syndrome (TSC). Also called: Tuberous Sclerosis Complex; Tuberous sclerosis. Identifiers: Orphanet 805, MedGen C0041341, MONDO:0001734.
Tuberous sclerosis 1 (TSC1). Identifiers: Orphanet 805, MedGen C1854465, MONDO:0008612, OMIM 191100.

Allele frequency attached by ClinVar (database versions not stated): gnomAD exomes 0.00001 and 0.00002; ExAC 0.00004; gnomAD 0.00005 and 0.00006; TOPMed 0.00005; 1000 Genomes Project 30x 0.00031; 1000 Genomes Project 0.00040.
gnomAD v4.1: 25 of 1,545,336 alleles (0.0016%); highest among the groups gnomAD compares: African/African-American, 0.012%; no homozygotes.

Submissions (6):

Labcorp Genetics (formerly Invitae), Labcorp
Classification: Likely benign for Tuberous sclerosis 1. Last evaluated: 2025-12-22. Review status: criteria provided, single submitter. Criteria: Invitae Variant Classification Sherloc (09022015). Collection method: clinical testing. Allele origin: germline.

All of Us Research Program, National Institutes of Health
Classification: Uncertain significance for Tuberous sclerosis syndrome. Last evaluated: 2024-04-25. Review status: criteria provided, single submitter. Criteria: ACMG Guidelines, 2015. Collection method: clinical testing. Allele origin: germline. Inheritance: Autosomal dominant inheritance. Observed: 5 variant alleles, 5 heterozygotes.
Comment: This missense variant replaces arginine with glutamine at codon 885 of the TSC1 protein. Computational prediction suggests that this variant may not impact protein structure and function (internally defined REVEL score threshold <= 0.5, PMID: 27666373). To our knowledge, functional studies have not been reported for this variant. This variant has not been reported in individuals affected with TSC1-related disorders in the literature. This variant has been identified in 6/259650 chromosomes in the general population by the Genome Aggregation Database (gnomAD). The available evidence is insufficient to determine the role of this variant in disease conclusively. Therefore, this variant is classified as a Variant of Uncertain Significance.

This study involves interpretation of variants in research participants for the purpose of population health screening. Participant phenotype was not available at the time of variant classification. Additional details can be found in publication PMID: 35346344, PMCID: PMC8962531

Color Diagnostics, LLC DBA Color Health
Classification: Uncertain significance for Tuberous sclerosis syndrome. Last evaluated: 2024-04-03. Review status: criteria provided, single submitter. Criteria: ACMG Guidelines, 2015. Collection method: clinical testing. Allele origin: germline.
Comment: This missense variant replaces arginine with glutamine at codon 885 of the TSC1 protein. Computational prediction suggests that this variant may not impact protein structure and function. To our knowledge, functional studies have not been reported for this variant. This variant has not been reported in individuals affected with TSC1-related disorders in the literature. This variant has been identified in 6/259650 chromosomes in the general population by the Genome Aggregation Database (gnomAD). The available evidence is insufficient to determine the role of this variant in disease conclusively. Therefore, this variant is classified as a Variant of Uncertain Significance.

Ambry Genetics
Classification: Likely benign for Hereditary cancer-predisposing syndrome. Last evaluated: 2022-12-23. Review status: criteria provided, single submitter. Criteria: Ambry Variant Classification Scheme 2023. Collection method: clinical testing. Allele origin: germline.

Genome-Nilou Lab
Classification: Uncertain significance for Tuberous sclerosis 1. Last evaluated: 2021-11-07. Review status: criteria provided, single submitter. Criteria: ACMG Guidelines, 2015. Collection method: clinical testing. Allele origin: germline. Affected: no.

Eurofins Ntd Llc (ga)
Classification: Uncertain significance. Last evaluated: 2014-12-17. Review status: criteria provided, single submitter. Criteria: EGL Classification Definitions 2015. Collection method: clinical testing. Allele origin: germline. Observed: 1 variant allele, 1 heterozygote.